The following is an entry in ClinVar:

ClinVar aggregate classification (germline): Pathogenic (1 of 4 stars; one submission).

Conditions:
Renal tubular acidosis with progressive nerve deafness. Also called: RENAL TUBULAR ACIDOSIS, AUTOSOMAL RECESSIVE, WITH PROGRESSIVE NERVE DEAFNESS; RTA WITH PROGRESSIVE NERVE DEAFNESS; Distal Renal Tubular Acidosis with Progressive Sensorineural Deafness; renal tubular acidosis, distal, 2, with progressive sensorineural hearing loss. Identifiers: MedGen C0403554, MONDO:0009968, OMIM 267300.

Submission:

Myriad Genetics, Inc.
Classification: Pathogenic for Renal tubular acidosis with progressive nerve deafness. Last evaluated: 2023-09-27. Review status: criteria provided, single submitter. Criteria: Myriad Autosomal Dominant, Autosomal Recessive and X-Linked Classification Criteria (2023). Collection method: clinical testing. Allele origin: unknown.
Comment: NM_001692.3(ATP6V1B1):c.350dupT(S118Vfs*17) is expected to be pathogenic in the context of distal renal tubular acidosis with deafness, ATP6V1B1-related. This variant is predicted to lead to an abnormal or absent protein product due to the creation of a premature termination codon in ATP6V1B1, a gene where loss-of-function variants are known to be pathogenic. Please note: this variant was assessed in the context of healthy population screening.

NM_001692.4(ATP6V1B1):c.350dup (p.Ser118fs)

Gene: ATP6V1B1 (ATPase H+ transporting V1 subunit B1; plus strand). Cytogenetic location: 2p13.3.
Variant type: Duplication.
Coding change: c.350dup on transcript NM_001692.4 (MANE Select); coding-DNA position 350, one base duplicated (T; older notation c.350dupT).
Protein change: p.Ser118fs; shifts the reading frame from serine 118.
Molecular consequence: frameshift variant.
Genome position (GRCh38, 1-based): chr2:70,958,409, T duplicated. VCF-style (leftmost placement, unchanged base first): chr2-70958408-G-GT. GRCh37 (hg19) VCF-style: chr2-71185538-G-GT.
Other names: short protein forms S118fs.
Identifiers: ClinVar variation 5012226 (VCV005012226.1).